The following continues an entry in ClinVar:

NM_000238.4(KCNH2):c.1474C>T (p.His492Tyr)

Gene: KCNH2. ClinVar aggregate classification (germline): Conflicting classifications of pathogenicity. Pathogenic (1); Likely pathogenic (6); Uncertain significance (1).

Submissions 8 to 9 of 9:

Illumina Laboratory Services, Illumina
Classification: Likely pathogenic for Long QT syndrome 2. Last evaluated: 2019-04-05. Review status: criteria provided, single submitter. Criteria: ICSL Variant Classification Criteria 09 May 2019. Collection method: clinical testing. Allele origin: germline.
Comment: The KCNH2 c.1474C>T (p.His492Tyr) missense variant has been reported in at least four studies in which it has been identified in a total of 18 individuals of Japanese descent with long QT syndrome, including six individuals (four unrelated) in a compound heterozygous state, seven individuals (five unrelated) in a heterozygous state, and five individuals (three unrelated) in a double heterozygous state with a second variant in a different gene (Itoh et al. 2009; Bando et al. 2014; Fujii et al. 2016; Izumi et al. 2016). The majority of the individuals with two variants were found to have a prolonged QTc interval and a more severe phenotype compared to individuals with the p.His492Tyr variant alone (Fujii et al. 2016; Izumi et al. 2016). Fujii et al. (2016) suggest that the p.His492Tyr variant in a heterozygous state may be associated with a milder form of long QT syndrome. They also suggest that these individuals have latent long QT syndrome and presence of additional factors, such as hypokalemia, drugs, or bradycardia, may result in symptoms, as was noted in four individuals who developed syncope or torsade de pointes when other factors were also present. The variant was also found in two unaffected heterozygous family members (Bando et al. 2014), but was absent from at least 1300 controls. The His492Tyr variant is reported at a frequency of 0.00012 in the East Asian population of the Genome Aggregation Database, but this is based on two alleles so the variant is presumed to be rare. Itoh et al. (2009) performed functional studies using Chinese hamster ovary cells and found that compared to wild type, presence of the p.His492Tyr variant resulted in a mild decrease in current density, and did not have a dominant negative effect. Based on the collective evidence, the p.His492Tyr variant is classified as likely pathogenic for long QT syndrome. This variant was observed by ICSL as part of a predisposition screen in an ostensibly healthy population.

Cardiovascular Biomedical Research Unit, Royal Brompton & Harefield NHS Foundation Trust
No classification provided. Condition: Familial long QT syndrome. Review status: no classification provided. Collection method: literature only. Allele origin: germline. Not counted in ClinVar's aggregate classification.
Comment: This variant has been reported as associated with Long QT syndrome in the following publications (PMID:12808265;PMID:19843919). This is a literature report, and does not necessarily reflect the clinical interpretation of the Imperial College / Royal Brompton Cardiovascular Genetics laboratory.

Literature cited by the submitters: PubMed 12808265 (cited by 4 submitters); PubMed 19843919 (cited by 5 submitters); PubMed 24057343 (cited by 4 submitters); PubMed 27041096 (cited by 4 submitters); PubMed 27816319 (cited by 4 submitters); PubMed 29766885 (cited by Labcorp Genetics (formerly Invitae), Labcorp and Laboratory for Molecular Medicine, Mass General Brigham Personalized Medicine); PubMed 30369311 (cited by Labcorp Genetics (formerly Invitae), Labcorp); PubMed 18441445 (cited by Ambry Genetics); PubMed 20950623 (cited by Ambry Genetics); PubMed 24363352 (cited by Ambry Genetics); PubMed 26958806 (cited by Ambry Genetics); PubMed 28012188 (cited by Ambry Genetics); PubMed 22581653 (cited by Cardiovascular Biomedical Research Unit, Royal Brompton & Harefield NHS Foundation Trust).